The following is an entry in ClinVar:

NM_015450.3(POT1):c.318T>G (p.Phe106Leu)

Gene: POT1 (protection of telomeres 1; minus strand). Cytogenetic location: 7q31.33.
Variant type: single nucleotide variant.
Coding change: c.318T>G on transcript NM_015450.3 (MANE Select); coding-DNA position 318, T replaced by G.
Protein change: p.Phe106Leu; replaces phenylalanine 106 with leucine.
Molecular consequence: missense variant. On other transcripts: 5 prime UTR variant (1), non-coding transcript variant (3).
Genome position (GRCh38, 1-based): chr7:124,863,578, A>C on the plus strand (T>G on the coding strand, the complement: POT1 is on the minus strand). VCF-style: chr7-124863578-A-C. GRCh37 (hg19) VCF-style: chr7-124503632-A-C.
Other names: c.-76T>G (NM_001042594.2); short protein forms F106L.
Identifiers: ClinVar variation 3660285 (VCV003660285.2).

ClinVar aggregate classification (germline): Uncertain significance (1 of 4 stars; one submission).

Conditions:
Tumor predisposition syndrome 3 (TPDS3). Also called: Melanoma, cutaneous malignant, susceptibility to, 10; Glioma susceptibility 9; LONG TELOMERE SYNDROME, POT1-RELATED; POT1 Tumor Predisposition. Identifiers: Orphanet 618, MedGen C4014476, MONDO:0014368, OMIM 615848.

Submission:

Labcorp Genetics (formerly Invitae), Labcorp
Classification: Uncertain significance for Tumor predisposition syndrome 3. Last evaluated: 2024-07-23. Review status: criteria provided, single submitter. Criteria: Invitae Variant Classification Sherloc (09022015). Collection method: clinical testing. Allele origin: germline.
Comment: This sequence change replaces phenylalanine, which is neutral and non-polar, with leucine, which is neutral and non-polar, at codon 106 of the POT1 protein (p.Phe106Leu). This variant is not present in population databases (gnomAD no frequency). This variant has not been reported in the literature in individuals affected with POT1-related conditions. Advanced modeling of protein sequence and biophysical properties (such as structural, functional, and spatial information, amino acid conservation, physicochemical variation, residue mobility, and thermodynamic stability) performed at Invitae indicates that this missense variant is not expected to disrupt POT1 protein function with a negative predictive value of 80%. In summary, the available evidence is currently insufficient to determine the role of this variant in disease. Therefore, it has been classified as a Variant of Uncertain Significance.